The following is an entry in ClinVar:

ClinVar aggregate classification (germline): Uncertain significance. Review status: criteria provided, multiple submitters, no conflicts (2 of 4 stars). 3 submissions from 3 submitters: Uncertain significance (3). Last evaluated 2026-06-16.

Conditions:
RAI1-related disorder. Also called: RAI1-related condition.
Inborn genetic diseases. Identifiers: MedGen C0950123, MeSH D030342.

Allele frequency attached by ClinVar (database versions not stated): gnomAD 0.00003 and 0.00004.
gnomAD v4.1: 11 of 1,580,718 alleles (0.0007%); highest among the groups gnomAD compares: African/African-American, 0.015%; no homozygotes.

Submissions (3):

PreventionGenetics, part of Exact Sciences
Classification: Uncertain significance for RAI1-related condition. Last evaluated: 2026-06-16. Review status: criteria provided, single submitter. Criteria: ACMG Guidelines, 2015. Collection method: clinical testing. Allele origin: germline.
Comment: The RAI1 c.3142G>T variant is predicted to result in the amino acid substitution p.Ala1048Ser. To our knowledge, this variant has not been reported in the literature. This variant is reported in 0.027% of alleles in individuals of African descent in gnomAD, which is more common than expected for a primary cause of disease. Although we suspect that this variant may be benign, at this time, the clinical significance of this variant is uncertain due to the absence of conclusive functional and genetic evidence.

Labcorp Genetics (formerly Invitae), Labcorp
Classification: Uncertain significance. Last evaluated: 2025-10-10. Review status: criteria provided, single submitter. Criteria: Invitae Variant Classification Sherloc (09022015). Collection method: clinical testing. Allele origin: germline.
Comment: This sequence change replaces alanine, which is neutral and non-polar, with serine, which is neutral and polar, at codon 1048 of the RAI1 protein (p.Ala1048Ser). The frequency data for this variant in the population databases is considered unreliable, as metrics indicate poor data quality at this position in the gnomAD database. This variant has not been reported in the literature in individuals affected with RAI1-related conditions. ClinVar contains an entry for this variant (Variation ID: 1525681). Invitae Evidence Modeling of protein sequence and biophysical properties (such as structural, functional, and spatial information, amino acid conservation, physicochemical variation, residue mobility, and thermodynamic stability) indicates that this missense variant is not expected to disrupt RAI1 protein function with a negative predictive value of 80%. In summary, the available evidence is currently insufficient to determine the role of this variant in disease. Therefore, it has been classified as a Variant of Uncertain Significance.

Ambry Genetics
Classification: Uncertain significance for Inborn genetic diseases. Last evaluated: 2017-07-05. Review status: criteria provided, single submitter. Criteria: Ambry Variant Classification Scheme 2023. Collection method: clinical testing. Allele origin: germline.
Comment: The p.A1048S variant (also known as c.3142G>T), located in coding exon 1 of the RAI1 gene, results from a G to T substitution at nucleotide position 3142. The alanine at codon 1048 is replaced by serine, an amino acid with similar properties. This amino acid position is not well conserved in available vertebrate species. In addition, this alteration is predicted to be tolerated by in silico analysis. Since supporting evidence is limited at this time, the clinical significance of this alteration remains unclear.

NM_030665.4(RAI1):c.3142G>T (p.Ala1048Ser)

Gene: RAI1 (retinoic acid induced 1; plus strand). Cytogenetic location: 17p11.2.
Variant type: single nucleotide variant.
Coding change: c.3142G>T on transcript NM_030665.4 (MANE Select); coding-DNA position 3142, G replaced by T.
Protein change: p.Ala1048Ser; replaces alanine 1048 with serine.
Molecular consequence: missense variant.
Genome position (GRCh38, 1-based): chr17:17,796,090, G>T. VCF-style: chr17-17796090-G-T. GRCh37 (hg19) VCF-style: chr17-17699404-G-T.
Other names: short protein forms A1048S.
Identifiers: ClinVar variation 1525681 (VCV001525681.9), dbSNP rs889706395, ClinGen allele CA288370237.